The following is an entry in ClinVar:

ClinVar aggregate classification (germline): Uncertain significance (1 of 4 stars; one submission).

Conditions:
Joubert syndrome. Also called: CEREBELLOPARENCHYMAL DISORDER IV; JOUBERT-BOLTSHAUSER SYNDROME; Familial aplasia of the vermis. Identifiers: Orphanet 475, MedGen C5979921, MONDO:0018772.
Orofaciodigital syndrome I (OFD1). Also called: OFDS I; Papillon-Leage and Psaume Syndrome; Oral-Facial-Digital Syndrome Type I. Identifiers: Orphanet 2750, MedGen C1510460, MONDO:0010702, OMIM 311200.

Submission:

Labcorp Genetics (formerly Invitae), Labcorp
Classification: Uncertain significance for Orofaciodigital syndrome I; Joubert syndrome. Last evaluated: 2025-05-17. Review status: criteria provided, single submitter. Criteria: Invitae Variant Classification Sherloc (09022015). Collection method: clinical testing. Allele origin: germline.
Comment: This sequence change falls in intron 7 of the OFD1 gene. It does not directly change the encoded amino acid sequence of the OFD1 protein. It affects a nucleotide within the consensus splice site. This variant is present in population databases (no rsID available, gnomAD 0.008%). This variant has not been reported in the literature in individuals affected with OFD1-related conditions. ClinVar contains an entry for this variant (Variation ID: 3761567). Variants that disrupt the consensus splice site are a relatively common cause of aberrant splicing (PMID: 17576681, 9536098). Algorithms developed to predict the effect of sequence changes on RNA splicing suggest that this variant is not likely to affect RNA splicing. In summary, the available evidence is currently insufficient to determine the role of this variant in disease. Therefore, it has been classified as a Variant of Uncertain Significance.

Literature cited by the submitters: PubMed 17576681; PubMed 9536098.

NM_003611.3(OFD1):c.654+5G>A

Gene: OFD1 (OFD1 centriole and centriolar satellite protein; plus strand). Cytogenetic location: Xp22.2.
Variant type: single nucleotide variant.
Coding change: c.654+5G>A on transcript NM_003611.3 (MANE Select); 5 bases into the intron after coding-DNA position 654, G replaced by A.
Molecular consequence: intron variant.
Genome position (GRCh38, 1-based): chrX:13,746,460, G>A. VCF-style: chrX-13746460-G-A. GRCh37 (hg19) VCF-style: chrX-13764579-G-A.
Other names: c.234+5G>A (NM_001330210.2); c.654+5G>A (NM_001330209.2).
Identifiers: ClinVar variation 3761567 (VCV003761567.2).